The following is an entry in ClinVar:

NM_000059.4(BRCA2):c.8373A>G (p.Lys2791=)

Gene: BRCA2 (BRCA2 DNA repair associated; plus strand). Cytogenetic location: 13q13.1.
Variant type: single nucleotide variant.
Coding change: c.8373A>G on transcript NM_000059.4 (MANE Select); coding-DNA position 8373, A replaced by G.
Protein change: p.Lys2791=; no amino-acid change (lysine 2791 retained).
Molecular consequence: synonymous variant.
Genome position (GRCh38, 1-based): chr13:32,370,443, A>G. VCF-style: chr13-32370443-A-G. GRCh37 (hg19) VCF-style: chr13-32944580-A-G.
Identifiers: ClinVar variation 427482 (VCV000427482.18), dbSNP rs759420926, ClinGen allele CA6941224.

ClinVar aggregate classification (germline): Likely benign. Review status: reviewed by expert panel (3 of 4 stars). 6 submissions from 6 submitters: Likely benign (1). 5 of the submissions do not count toward it. Last evaluated 2017-06-29.

Conditions:
Hereditary cancer-predisposing syndrome. Also called: Hereditary neoplastic syndrome; Hereditary Cancer Syndrome; Neoplastic Syndromes, Hereditary; Tumor predisposition. Identifiers: Orphanet 140162, MedGen C0027672, MeSH D009386, MONDO:0015356.
Breast-ovarian cancer, familial, susceptibility to, 2 (BROVCA2). Also called: BRCA2 Hereditary Breast and Ovarian Cancer. Identifiers: Orphanet 145, MedGen C2675520, MONDO:0012933, OMIM 612555. Disease mechanism: loss of function.
Hereditary breast ovarian cancer syndrome. Also called: Hereditary breast and ovarian cancer syndrome; BRCA1- and BRCA2-Associated Hereditary Breast and Ovarian Cancer; Hereditary breast and/or ovarian cancer syndrome; Hereditary breast and ovarian cancer; Breast and ovarian cancer; Hereditary breast and ovarian cancer syndrome (HBOC). Identifiers: Orphanet 145, MedGen C0677776, MeSH D061325, MONDO:0003582. Disease mechanism: loss of function.

Allele frequency attached by ClinVar (database versions not stated): gnomAD exomes below 0.00001 and 0.00001; TOPMed below 0.00001; ExAC 0.00001.
gnomAD v4.1: 3 of 1,613,972 alleles (0.00019%); highest among the groups gnomAD compares: Non-Finnish European, 0.00017%; no homozygotes.

Submissions (6):

Evidence-based Network for the Interpretation of Germline Mutant Alleles (ENIGMA)
Classification: Likely benign for Breast-ovarian cancer, familial, susceptibility to, 2. Last evaluated: 2017-06-29. Review status: reviewed by expert panel. Criteria: ENIGMA BRCA1/2 Classification Criteria (2017-06-29). Collection method: curation. Allele origin: germline.
Comment: Synonymous substitution variant, with low bioinformatic likelihood to result in a splicing aberration (Splicing prior probability 0.02).

Labcorp Genetics (formerly Invitae), Labcorp
Classification: Likely benign for Hereditary breast ovarian cancer syndrome. Last evaluated: 2023-09-08. Review status: criteria provided, single submitter. Criteria: Invitae Variant Classification Sherloc (09022015). Collection method: clinical testing. Allele origin: germline. Not counted in ClinVar's aggregate classification.

All of Us Research Program, National Institutes of Health
Classification: Likely benign for Breast-ovarian cancer, familial, susceptibility to, 2. Last evaluated: 2022-12-27. Review status: criteria provided, single submitter. Criteria: ACMG Guidelines, 2015. Collection method: clinical testing. Allele origin: germline. Inheritance: Autosomal dominant inheritance. Observed: 1 variant allele, 1 heterozygote. Not counted in ClinVar's aggregate classification.
Comment: This study involves interpretation of variants in research participants for the purpose of population health screening. Participant phenotype was not available at the time of variant classification. Additional details can be found in publication PMID: 35346344, PMCID: PMC8962531

Color Diagnostics, LLC DBA Color Health
Classification: Likely benign for Hereditary cancer-predisposing syndrome. Last evaluated: 2021-01-26. Review status: criteria provided, single submitter. Criteria: ACMG Guidelines, 2015. Collection method: clinical testing. Allele origin: germline. Not counted in ClinVar's aggregate classification.

Ambry Genetics
Classification: Likely benign for Hereditary cancer-predisposing syndrome. Last evaluated: 2019-02-09. Review status: criteria provided, single submitter. Criteria: Ambry Variant Classification Scheme 2023. Collection method: clinical testing. Allele origin: germline. Not counted in ClinVar's aggregate classification.

GeneDx
Classification: Likely benign. Last evaluated: 2017-03-16. Review status: criteria provided, single submitter. Criteria: GeneDx Variant Classification (06012015). Collection method: clinical testing. Allele origin: germline. Affected: yes. Not counted in ClinVar's aggregate classification.
Comment: This variant is considered likely benign or benign based on one or more of the following criteria: it is a conservative change, it occurs at a poorly conserved position in the protein, it is predicted to be benign by multiple in silico algorithms, and/or has population frequency not consistent with disease.